The following is an entry in ClinVar:

ClinVar aggregate classification (germline): Uncertain significance (1 of 4 stars; one submission).

gnomAD v4.1: 2 of 1,614,044 alleles (0.00012%); highest among the groups gnomAD compares: Non-Finnish European, 0.00017%; no homozygotes.

Submission:

Labcorp Genetics (formerly Invitae), Labcorp
Classification: Uncertain significance. Last evaluated: 2024-02-08. Review status: criteria provided, single submitter. Criteria: Invitae Variant Classification Sherloc (09022015). Collection method: clinical testing. Allele origin: germline.
Comment: This sequence change replaces methionine, which is neutral and non-polar, with arginine, which is basic and polar, at codon 372 of the SEC63 protein (p.Met372Arg). This variant is not present in population databases (gnomAD no frequency). This variant has not been reported in the literature in individuals affected with SEC63-related conditions. An algorithm developed to predict the effect of missense changes on protein structure and function (PolyPhen-2) suggests that this variant is likely to be disruptive. In summary, the available evidence is currently insufficient to determine the role of this variant in disease. Therefore, it has been classified as a Variant of Uncertain Significance.

NM_007214.5(SEC63):c.1115T>G (p.Met372Arg)

Gene: SEC63 (SEC63 protein translocation regulator; minus strand). Cytogenetic location: 6q21.
Variant type: single nucleotide variant.
Coding change: c.1115T>G on transcript NM_007214.5 (MANE Select); coding-DNA position 1115, T replaced by G.
Protein change: p.Met372Arg; replaces methionine 372 with arginine.
Molecular consequence: missense variant.
Genome position (GRCh38, 1-based): chr6:107,902,938, A>C on the plus strand (T>G on the coding strand, the complement: SEC63 is on the minus strand). VCF-style: chr6-107902938-A-C. GRCh37 (hg19) VCF-style: chr6-108224142-A-C.
Other names: short protein forms M372R.
Identifiers: ClinVar variation 3616870 (VCV003616870.2).